The following is an entry in ClinVar:

NM_001042492.3(NF1):c.6489G>C (p.Leu2163Phe)

Gene: NF1 (neurofibromin 1; plus strand). Cytogenetic location: 17q11.2.
Variant type: single nucleotide variant.
Coding change: c.6489G>C on transcript NM_001042492.3 (MANE Select); coding-DNA position 6489, G replaced by C.
Protein change: p.Leu2163Phe; replaces leucine 2163 with phenylalanine.
Molecular consequence: missense variant.
Genome position (GRCh38, 1-based): chr17:31,337,429, G>C. VCF-style: chr17-31337429-G-C. GRCh37 (hg19) VCF-style: chr17-29664447-G-C.
Other names: c.6426G>C, p.Leu2142Phe (NM_000267.4); short protein forms L2142F, L2163F.
Identifiers: ClinVar variation 1514632 (VCV001514632.9), dbSNP rs2151556147, ClinGen allele CA399013123.
Genomic context (GRCh38, chr17:31,337,429, plus strand): 5'-AGAGACCAAGCAAGTTTTGAGACTCAGTCTGACAGAGTTCTCATTACCCAAATTTTACTT[G>C]CTGTTTGGCATTAGCAAAGTCAAGTCAGCTGCTGTCATTGCCTTCCGTTCCAGTTACCGG-3'
Protein context (NP_001035957.1, residues 2153-2173): LTEFSLPKFY[Leu2163Phe]LFGISKVKSA

ClinVar aggregate classification (germline): Uncertain significance. Review status: criteria provided, multiple submitters, no conflicts (2 of 4 stars). 2 submissions from 2 submitters: Uncertain significance (2). Last evaluated 2025-08-23.

Conditions:
Neurofibromatosis, type 1 (NF1). Also called: Neurofibromatosis, type I; Peripheral type neurofibromatosis; VON RECKLINGHAUSEN DISEASE; NEUROFIBROMATOSIS, TYPE I, SOMATIC. Identifiers: Orphanet 636, MedGen C0027831, MONDO:0018975, OMIM 162200. Disease mechanism: loss of function.
Hereditary cancer-predisposing syndrome. Also called: Neoplastic Syndromes, Hereditary; Hereditary Cancer Syndrome; Tumor predisposition; Hereditary neoplastic syndrome. Identifiers: Orphanet 140162, MedGen C0027672, MeSH D009386, MONDO:0015356.
Cardiovascular phenotype. Identifiers: MedGen CN230736.

Submissions (2):

Ambry Genetics
Classification: Uncertain significance for Cardiovascular phenotype; Hereditary cancer-predisposing syndrome. Last evaluated: 2025-08-23. Review status: criteria provided, single submitter. Criteria: Ambry Variant Classification Scheme 2023. Collection method: clinical testing. Allele origin: germline.
Comment: The p.L2142F variant (also known as c.6426G>C), located in coding exon 42 of the NF1 gene, results from a G to C substitution at nucleotide position 6426. The leucine at codon 2142 is replaced by phenylalanine, an amino acid with highly similar properties. This amino acid position is conserved. In addition, the in silico prediction for this alteration is inconclusive. Based on the available evidence, the clinical significance of this variant remains unclear.

Labcorp Genetics (formerly Invitae), Labcorp
Classification: Uncertain significance for Neurofibromatosis, type 1. Last evaluated: 2024-02-18. Review status: criteria provided, single submitter. Criteria: Invitae Variant Classification Sherloc (09022015). Collection method: clinical testing. Allele origin: germline.
Comment: This sequence change replaces leucine, which is neutral and non-polar, with phenylalanine, which is neutral and non-polar, at codon 2142 of the NF1 protein (p.Leu2142Phe). This variant is not present in population databases (gnomAD no frequency). This variant has not been reported in the literature in individuals affected with NF1-related conditions. ClinVar contains an entry for this variant (Variation ID: 1514632). Advanced modeling of protein sequence and biophysical properties (such as structural, functional, and spatial information, amino acid conservation, physicochemical variation, residue mobility, and thermodynamic stability) has been performed at Invitae for this missense variant, however the output from this modeling did not meet the statistical confidence thresholds required to predict the impact of this variant on NF1 protein function. In summary, the available evidence is currently insufficient to determine the role of this variant in disease. Therefore, it has been classified as a Variant of Uncertain Significance.